The following is an entry in ClinVar:

NM_001943.5(DSG2):c.1308T>C (p.Asn436=)

Gene: DSG2 (desmoglein 2; plus strand). Cytogenetic location: 18q12.1.
Variant type: single nucleotide variant.
Coding change: c.1308T>C on transcript NM_001943.5 (MANE Select); coding-DNA position 1308, T replaced by C.
Protein change: p.Asn436=; no amino-acid change (asparagine 436 retained).
Molecular consequence: synonymous variant.
Genome position (GRCh38, 1-based): chr18:31,535,297, T>C. VCF-style: chr18-31535297-T-C. GRCh37 (hg19) VCF-style: chr18-29115260-T-C.
Identifiers: ClinVar variation 3386583 (VCV003386583.1).
Genomic context (GRCh38, chr18:31,535,297, plus strand): 5'-TTCAAAATTAATTTTATGTTTGTTTTATGACAGATATGTAAAATTAGAAGATAGAGATAA[T>C]TGGATCTCTGTGGATTCTGTCACATCTGAAATTAAACTTGCAAAACTTCCTGATTTTGAA-3'
Protein context (NP_001934.2, residues 426-446): ARYVKLEDRD[Asn436=]WISVDSVTSE

ClinVar aggregate classification (germline): Likely benign (1 of 4 stars; one submission).

Conditions:
Arrhythmogenic right ventricular cardiomyopathy (ARVD). Also called: Arrhythmogenic right ventricular dysplasia; Cardiomyopathy, ARVC; Arrhythmogenic cardiomyopathy; Arrhythmogenic Right Ventricular Cardiomyopathy (ARVC). Identifiers: Orphanet 247, MedGen C0349788, MeSH D019571, MONDO:0016587. Disease mechanism: loss of function. Inheritance: Various modes of inheritance.

gnomAD v4.1: 1 of 1,591,748 alleles (0.000063%); highest among the groups gnomAD compares: Non-Finnish European, 0.000086%; no homozygotes.

Submission:

All of Us Research Program, National Institutes of Health
Classification: Likely benign for Arrhythmogenic right ventricular cardiomyopathy. Last evaluated: 2024-04-16. Review status: criteria provided, single submitter. Criteria: ACMG Guidelines, 2015. Collection method: clinical testing. Allele origin: germline. Inheritance: Autosomal dominant inheritance. Observed: 1 variant allele, 1 heterozygote.
Comment: This study involves interpretation of variants in research participants for the purpose of population health screening. Participant phenotype was not available at the time of variant classification. Additional details can be found in publication PMID: 35346344, PMCID: PMC8962531